The following is an entry in ClinVar:

ClinVar aggregate classification (germline): Uncertain significance (1 of 4 stars; one submission).

Conditions:
Severe combined immunodeficiency due to DNA-PKcs deficiency. Also called: IMMUNODEFICIENCY 26 WITH NEUROLOGIC ABNORMALITIES; Immunodeficiency 26 with or without neurologic abnormalities. Identifiers: Orphanet 317425, MedGen C4014833, MONDO:0014423, OMIM 615966.

Allele frequency attached by ClinVar (database versions not stated): gnomAD exomes below 0.00001; ExAC 0.00001; gnomAD 0.00001; TOPMed 0.00001.
gnomAD v4.1: 13 of 1,613,738 alleles (0.00081%); highest among the groups gnomAD compares: Non-Finnish European, 0.0011%; no homozygotes.

Submission:

Labcorp Genetics (formerly Invitae), Labcorp
Classification: Uncertain significance for Severe combined immunodeficiency due to DNA-PKcs deficiency. Last evaluated: 2021-08-16. Review status: criteria provided, single submitter. Criteria: Invitae Variant Classification Sherloc (09022015). Collection method: clinical testing. Allele origin: germline.
Comment: This variant is present in population databases (rs774981081, ExAC 0.002%). This sequence change replaces glutamic acid with aspartic acid at codon 2497 of the PRKDC protein (p.Glu2497Asp). The glutamic acid residue is moderately conserved and there is a small physicochemical difference between glutamic acid and aspartic acid. This variant has not been reported in the literature in individuals affected with PRKDC-related conditions. In summary, the available evidence is currently insufficient to determine the role of this variant in disease. Therefore, it has been classified as a Variant of Uncertain Significance. Experimental studies and prediction algorithms are not available or were not evaluated, and the functional significance of this variant is currently unknown.

NM_006904.7(PRKDC):c.7491A>C (p.Glu2497Asp)

Gene: PRKDC (protein kinase, DNA-activated, catalytic subunit; minus strand). Cytogenetic location: 8q11.21.
Variant type: single nucleotide variant.
Coding change: c.7491A>C on transcript NM_006904.7 (MANE Select); coding-DNA position 7491, A replaced by C.
Protein change: p.Glu2497Asp; replaces glutamic acid 2497 with aspartic acid.
Molecular consequence: missense variant.
Genome position (GRCh38, 1-based): chr8:47,839,210, T>G on the plus strand (A>C on the coding strand, the complement: PRKDC is on the minus strand). VCF-style: chr8-47839210-T-G. GRCh37 (hg19) VCF-style: chr8-48751771-T-G.
Other names: c.7491A>C, p.Glu2497Asp (NM_001081640.2); short protein forms E2497D.
Identifiers: ClinVar variation 1400556 (VCV001400556.6), dbSNP rs774981081, ClinGen allele CA4740097.